The following is an entry in ClinVar:

ClinVar aggregate classification (germline): Uncertain significance (1 of 4 stars; one submission).

Conditions:
Weaver syndrome (WVS). Also called: Weaver Smith syndrome; Overgrowth syndrome with accelerated skeletal maturation, unusual facies, and camptodactyly. Identifiers: Orphanet 3447, MedGen C0265210, MONDO:0010193, OMIM 277590.

Submission:

Labcorp Genetics (formerly Invitae), Labcorp
Classification: Uncertain significance for Weaver syndrome. Last evaluated: 2018-01-24. Review status: criteria provided, single submitter. Criteria: Invitae Variant Classification Sherloc (09022015). Collection method: clinical testing. Allele origin: germline.
Comment: In summary, the available evidence is currently insufficient to determine the role of this variant in disease. Therefore, it has been classified as a Variant of Uncertain Significance. Algorithms developed to predict the effect of missense changes on protein structure and function (SIFT, PolyPhen-2, Align-GVGD) all suggest that this variant is likely to be tolerated, but these predictions have not been confirmed by published functional studies and their clinical significance is uncertain. This variant has not been reported in the literature in individuals with EZH2-related disease. This variant is not present in population databases (ExAC no frequency). This sequence change replaces glutamic acid with aspartic acid at codon 473 of the EZH2 protein (p.Glu473Asp). The glutamic acid residue is highly conserved and there is a small physicochemical difference between glutamic acid and aspartic acid.

NM_004456.5(EZH2):c.1419G>T (p.Glu473Asp)

Gene: EZH2 (enhancer of zeste 2 polycomb repressive complex 2 subunit; minus strand). Cytogenetic location: 7q36.1.
Variant type: single nucleotide variant.
Coding change: c.1419G>T on transcript NM_004456.5 (MANE Select); coding-DNA position 1419, G replaced by T.
Protein change: p.Glu473Asp; replaces glutamic acid 473 with aspartic acid.
Molecular consequence: missense variant.
Genome position (GRCh38, 1-based): chr7:148,816,770, C>A on the plus strand (G>T on the coding strand, the complement: EZH2 is on the minus strand). VCF-style: chr7-148816770-C-A. GRCh37 (hg19) VCF-style: chr7-148513862-C-A.
Other names: c.1404G>T, p.Glu468Asp (NM_001203247.2); c.1377G>T, p.Glu459Asp (NM_001203248.2, NM_001203249.2); c.1287G>T, p.Glu429Asp (NM_152998.3); short protein forms E473D, E429D, E459D, E468D.
Identifiers: ClinVar variation 582836 (VCV000582836.9), dbSNP rs1190049532, ClinGen allele CA369714625.
Genomic context (GRCh38, chr7:148,816,770, plus strand): 5'-AGGAGTATCCACATCCTCAGCGGGAGCTGGAGCTATGATGCTAGATTCTTTGACTCTAAA[C>A]TCATACACCTGACAAGAGGCACAGTCACAGAGCCATGAGGACAGTCTTATTTAGGCAAAC-3'
Protein context (NP_004447.2, residues 463-483): IGTKTCRQVY[Glu473Asp]FRVKESSIIA